The following is an entry in ClinVar:

ClinVar aggregate classification (germline): Benign (1 of 4 stars; one submission).

Conditions:
Thrombocytopenia. Identifiers: MedGen C0040034, MeSH D013921, MONDO:0002049, HP:0001873.

Allele frequency attached by ClinVar (database versions not stated): gnomAD exomes 0.00002 and 0.00007; ExAC 0.00007.
gnomAD v4.1: 34 of 1,613,526 alleles (0.0021%); highest among the groups gnomAD compares: South Asian, 0.037%; no homozygotes.

Submission:

Illumina Laboratory Services, Illumina
Classification: Benign for Thrombocytopenia. Last evaluated: 2018-01-13. Review status: criteria provided, single submitter. Criteria: ICSL Variant Classification Criteria 13 December 2019. Collection method: clinical testing. Allele origin: germline.
Comment: This variant was observed in the ICSL laboratory as part of a predisposition screen in an ostensibly healthy population. It had not been previously curated by ICSL or reported in the Human Gene Mutation Database (HGMD: prior to June 1st, 2018), and was therefore a candidate for classification through an automated scoring system. Utilizing variant allele frequency, disease prevalence and penetrance estimates, and inheritance mode, an automated score was calculated to assess if this variant is too frequent to cause the disease. Based on the score and internal cut-off values, a variant classified as benign is not then subjected to further curation. The score for this variant resulted in a classification of benign for this disease.

NM_001172303.3(MASTL):c.324+4A>C

Gene: MASTL (microtubule associated serine/threonine kinase like; plus strand). Cytogenetic location: 10p12.1.
Variant type: single nucleotide variant.
Coding change: c.324+4A>C on transcript NM_001172303.3 (MANE Select); 4 bases into the intron after coding-DNA position 324, A replaced by C.
Molecular consequence: intron variant.
Genome position (GRCh38, 1-based): chr10:27,158,690, A>C. VCF-style: chr10-27158690-A-C. GRCh37 (hg19) VCF-style: chr10-27447619-A-C.
Other names: c.-280+4A>C (NM_001372029.1, NM_001372030.1); c.324+4A>C (NM_001320757.2, NM_001320756.2, NM_032844.5 and 1 more transcripts).
Identifiers: ClinVar variation 299786 (VCV000299786.5), dbSNP rs751957791, ClinGen allele CA5449941.
Genomic context (GRCh38, chr10:27,158,690, plus strand): 5'-AGCCCATTCATTGTCCATTTGTATTATTCACTGCAGTCTGCAAACAATGTCTACTTGGTG[A>C]GTAAATAATTTTTATGTTGTTTCTTTATCCATTAAGCAGTCATTGAACCTAGTGATTTAA-3'